The following is an entry in ClinVar:

ClinVar aggregate classification (germline): Likely benign (1 of 4 stars; one submission).

Submission:

CeGaT Center for Human Genetics Tuebingen
Classification: Likely benign. Last evaluated: 2025-08-01. Review status: criteria provided, single submitter. Criteria: CeGaT Center For Human Genetics Tuebingen Variant Classification Criteria Version 2. Collection method: clinical testing. Allele origin: germline. Affected: yes. Observed: 1 variant allele.
Comment: HERC2: BP4, BP7

NM_004667.6(HERC2):c.7371C>T (p.Pro2457=)

Gene: HERC2 (HECT and RLD domain containing E3 ubiquitin protein ligase 2; minus strand). Cytogenetic location: 15q13.1.
Variant type: single nucleotide variant.
Coding change: c.7371C>T on transcript NM_004667.6 (MANE Select); coding-DNA position 7371, C replaced by T.
Protein change: p.Pro2457=; no amino-acid change (proline 2457 retained).
Molecular consequence: synonymous variant.
Genome position (GRCh38, 1-based): chr15:28,202,456, G>A on the plus strand (C>T on the coding strand, the complement: HERC2 is on the minus strand). VCF-style: chr15-28202456-G-A. GRCh37 (hg19) VCF-style: chr15-28447602-G-A.
Identifiers: ClinVar variation 4083759 (VCV004083759.8).